The following is an entry in ClinVar:

NM_001165963.4(SCN1A):c.4002+2574T>C

Genes: SCN1A (sodium voltage-gated channel alpha subunit 1; minus strand), LOC102724058 (uncharacterized LOC102724058; plus strand). Cytogenetic location: 2q24.3.
Variant type: single nucleotide variant.
Coding change: c.4002+2574T>C on transcript NM_001165963.4 (MANE Select); 2574 bases into the intron after coding-DNA position 4002, T replaced by C.
Molecular consequence: intron variant.
Genome position (GRCh38, 1-based): chr2:166,007,145, A>G on the plus strand (T>C on the coding strand, the complement: SCN1A is on the minus strand). VCF-style: chr2-166007145-A-G. GRCh37 (hg19) VCF-style: chr2-166863655-A-G.
Other names: c.3969+2574T>C (NM_001353949.2, NM_001353950.2, NM_001353951.2 and 2 more transcripts); c.3918+2574T>C (NM_001353958.2, NM_001353957.2, NM_001165964.3); c.4002+2574T>C (NM_001202435.3, NM_001353948.2); c.3966+2574T>C (NM_001353955.2, NM_001353954.2); c.3915+2574T>C (NM_001353960.2); c.1560+2574T>C (NM_001353961.2).
Identifiers: ClinVar variation 4761680 (VCV004761680.1).
Genomic context (GRCh38, chr2:166,007,145, plus strand): 5'-CAATTGAAAAGAGGGGATTAGGATGTAAATAATGTATTTTCCCTACTGTGGTGCAATAAT[A>G]GTACCCTTCCCAATCCCTCCCTCACCCCACTACACATAAGTCACAGTGCAAGGATTAAAG-3'

ClinVar aggregate classification (germline): Uncertain significance (1 of 4 stars; one submission).

Conditions:
Early-infantile DEE. Also called: Early infantile epileptic encephalopathy with suppression bursts; Early infantile epileptic encephalopathy; Ohtahara syndrome. Identifiers: Orphanet 1934, MedGen C0393706, MONDO:0800491.

Submission:

Labcorp Genetics (formerly Invitae), Labcorp
Classification: Uncertain significance for Early-infantile DEE. Last evaluated: 2025-03-11. Review status: criteria provided, single submitter. Criteria: Invitae Variant Classification Sherloc (09022015). Collection method: clinical testing. Allele origin: germline.
Comment: This sequence change falls in intron 20 of the SCN1A gene. It does not directly change the encoded amino acid sequence of the SCN1A protein. However, this sequence change falls within a region encompassing a cryptic exon in the SCN1A gene, in which variants have been shown to alter splicing (PMID: 30526861, 34107977). This variant is not present in population databases (gnomAD no frequency). This variant has not been reported in the literature in individuals affected with SCN1A-related conditions. Algorithms developed to predict the effect of sequence changes on RNA splicing suggest that this variant is not likely to affect RNA splicing. In summary, the available evidence is currently insufficient to determine the role of this variant in disease. Therefore, it has been classified as a Variant of Uncertain Significance.

Literature cited by the submitters: PubMed 30526861; PubMed 34107977.